The following is an entry in ClinVar:

NM_001080483.3(MYMK):c.253C>T (p.Leu85=)

Gene: MYMK (myomaker, myoblast fusion factor; minus strand). Cytogenetic location: 9q34.2.
Variant type: single nucleotide variant.
Coding change: c.253C>T on transcript NM_001080483.3 (MANE Select); coding-DNA position 253, C replaced by T.
Protein change: p.Leu85=; no amino-acid change (leucine 85 retained).
Molecular consequence: synonymous variant.
Genome position (GRCh38, 1-based): chr9:133,519,020, G>A on the plus strand (C>T on the coding strand, the complement: MYMK is on the minus strand). VCF-style: chr9-133519020-G-A. GRCh37 (hg19) VCF-style: chr9-136384142-G-A.
Identifiers: ClinVar variation 782529 (VCV000782529.5), dbSNP rs149973300, ClinGen allele CA5312277.

ClinVar aggregate classification (germline): Benign. Review status: criteria provided, multiple submitters, no conflicts (2 of 4 stars). 2 submissions from 2 submitters: Benign (2). Last evaluated 2025-07-08.

Conditions:
MYMK-related disorder. Also called: MYMK-related condition.

Allele frequency attached by ClinVar (database versions not stated): gnomAD exomes 0.00082; ExAC 0.00102; gnomAD 0.00293; ESP Exome Variant Server 0.00361; TOPMed 0.00367; 1000 Genomes Project 0.00499; 1000 Genomes Project 30x 0.00562.
gnomAD v4.1: 1,018 of 1,613,754 alleles (0.063%); highest among the groups gnomAD compares: African/African-American, 1.1%; 5 homozygotes.

Submissions (2):

PreventionGenetics, part of Exact Sciences
Classification: Benign for MYMK-related condition. Last evaluated: 2025-07-08. Review status: criteria provided, single submitter. Criteria: ACMG Guidelines, 2015. Collection method: clinical testing. Allele origin: germline.
Comment: This variant is classified as benign based on ACMG/AMP sequence variant interpretation guidelines (Richards et al. 2015 PMID: 25741868, with internal and published modifications).

Labcorp Genetics (formerly Invitae), Labcorp
Classification: Benign. Last evaluated: 2019-12-31. Review status: criteria provided, single submitter. Criteria: Invitae Variant Classification Sherloc (09022015). Collection method: clinical testing. Allele origin: germline.